The following is an entry in ClinVar:

NM_012238.5(SIRT1):c.372CGA[2] (p.Asp126_Asp127del)

Gene: SIRT1 (sirtuin 1; plus strand). Cytogenetic location: 10q21.3.
Variant type: Microsatellite.
Coding change: c.372CGA[2] on transcript NM_012238.5 (MANE Select); two copies in a row of the 3-base unit CGA starting at c.372; the reference has four copies in a row; two copies, 6 bases deleted.
Protein change: p.Asp126_Asp127del.
Molecular consequence: inframe deletion.
Genome position (GRCh38, 1-based): chr10:67,885,099-67,885,104, CGACGA deleted; deleting any 6 consecutive bases within chr10:67,885,091-67,885,104 gives the same sequence; the position shown is the placement nearest the transcript's 3' end. VCF-style (leftmost placement, unchanged base first): chr10-67885090-AGACGAC-A. GRCh37 (hg19) VCF-style: chr10-69644848-AGACGAC-A.
Identifiers: ClinVar variation 2730801 (VCV002730801.3), dbSNP rs751108703, ClinGen allele CA5520988.
Genomic context (GRCh38, chr10:67,885,090, plus strand): 5'-TGGGCCGGGCCTGCAGGGCCCATCTCGGGAGCCACCGCTGGCCGACAACTTGTACGACGA[AGACGAC>A]GACGACGAGGGCGAGGAGGAGGAAGAGGCGGCGGCGGCGGCGATTGGGTACCGAGGTGCG-3'

ClinVar aggregate classification (germline): Uncertain significance (1 of 4 stars; one submission).

Submission:

Labcorp Genetics (formerly Invitae), Labcorp
Classification: Uncertain significance. Last evaluated: 2024-06-05. Review status: criteria provided, single submitter. Criteria: Invitae Variant Classification Sherloc (09022015). Collection method: clinical testing. Allele origin: germline.
Comment: This variant, c.378_383del, results in the deletion of 2 amino acid(s) of the SIRT1 protein (p.Asp126_Asp127del), but otherwise preserves the integrity of the reading frame. This variant is present in population databases (rs761590487, gnomAD 0.04%). This variant has not been reported in the literature in individuals affected with SIRT1-related conditions. Experimental studies and prediction algorithms are not available or were not evaluated, and the functional significance of this variant is currently unknown. In summary, the available evidence is currently insufficient to determine the role of this variant in disease. Therefore, it has been classified as a Variant of Uncertain Significance.